The following is an entry in ClinVar:

ClinVar aggregate classification (germline): Pathogenic. Review status: reviewed by expert panel (3 of 4 stars). 7 submissions from 7 submitters: Pathogenic (1). 6 of the submissions do not count toward it. Last evaluated 2026-09-26.

Conditions:
RS1-related disorder. Also called: RS1-related condition.
Retinal dystrophy. Also called: Inherited retinal dystrophy. Identifiers: Orphanet 71862, MedGen C0854723, MeSH D058499, MONDO:0019118, HP:0000556.
Juvenile retinoschisis (RS1). Also called: X-Linked Juvenile Retinoschisis; X-linked retinoschisis. Identifiers: Orphanet 792, MedGen C3714753, MONDO:0010725, OMIM 312700.

Allele frequency attached by ClinVar (database versions not stated): gnomAD exomes below 0.00001; 1000 Genomes Project 30x 0.00021; gnomAD 0.00001.
gnomAD v4.1: 2 of 1,209,725 alleles (0.00017%); highest among the groups gnomAD compares: East Asian, 0.003%; no homozygotes.

Submissions (7):

ClinGen X-linked Inherited Retinal Disease Variant Curation Expert Panel, ClinGen
Classification: Pathogenic for Juvenile retinoschisis. Last evaluated: 2026-09-26. Review status: reviewed by expert panel. Criteria: ClinGen X LinkedIRD ACMG Specifications RS1 V1.0.0. Collection method: curation. Allele origin: germline. Inheritance: X-linked inheritance.
Comment: The NM_000330.4(RS1):c.638G>A (p.Arg213Gln) variant is a missense variant encoding the substitution of Arginine and Glutamine at amino acid 213. This variant is absent from hemizygous individuals in gnomAD v4.1.0 (PM2_Supporting). The computational predictor REVEL gives a score of 0.985, which is above the ClinGen X-linked IRD VCEP threshold of >0.932 and predicts a damaging effect on RS1 function (PP3_strong). The computational splicing predictor SpliceAI gives a delta score of 0.01 for acceptor gain, which is below the ClinGen X-linked IRD VCEP threshold of >0.2 and does not predict that the variant disrupts RS1 splicing. At least one proband harboring this variant exhibits a phenotype including the appearance of schisis and reduced visual acuity before age 13 years, and showing retinal detachment, which together are highly specific for X-linked retinoschisis (PMID: 17615541, PP4_Moderate). The variant has been reported to segregate with retinal dystrophy through >3 meioses in one family (PP1_Strong; PMID: 17615541). This variant has been reported in at least 6 apparently unrelated probands meeting the PS4 requirement of a male diagnosed with XLRS (PMIDs: 9760195, 17987333, 18541843, 19324861, 19390641, 34822951, 38317323, PS4). In summary, this variant is classified as pathogenic for X-linked retinoschisis based on the ClinGen X-linked Inherited Retinal Disease Expert Panel Specifications to the ACMG/AMP Variant Interpretation Guidelines for RS1 Version 1.0.0: PM2_Supporting, PP3_Strong, PP4_Moderate, PP1_Strong, and PS4_Strong.

Dasa
Classification: Pathogenic. Last evaluated: 2024-08-31. Review status: criteria provided, single submitter. Criteria: DASA Assertion Criteria. Collection method: clinical testing. Allele origin: germline. Not counted in ClinVar's aggregate classification.
Comment: NM_000330.4(RS1):c.638G>A (p.Arg213Gln) is a missense variant that results in the substitution of arginine with glutamine. This variant has been recurrently observed in individuals with related phenotype (PMID: 22171610; PMID: 24505212; PMID: 18369700). Segregation evidence has been reported in affected families. Multiple computational predictions support a deleterious effect on the gene or gene product. The variant is present at low frequency in population datasets. Based on the available data, this variant is classified as pathogenic.

Women's Health and Genetics/Laboratory Corporation of America, LabCorp
Classification: Pathogenic for Juvenile retinoschisis. Last evaluated: 2024-05-15. Review status: criteria provided, single submitter. Criteria: LabCorp Variant Classification Summary - May 2015. Collection method: clinical testing. Allele origin: germline. Not counted in ClinVar's aggregate classification.
Comment: Variant summary: RS1 c.638G>A (p.Arg213Gln) results in a conservative amino acid change located in the Coagulation factor 5/8 C-terminal domain (IPR000421) of the encoded protein sequence. Four of five in-silico tools predict a damaging effect of the variant on protein function. The frequency data for this variant in gnomAD is considered unreliable, as metrics indicate poor data quality at this position. c.638G>A has been reported in the literature in multiple individuals affected with retinoschisis and segregated with disease in at least three families (e.g. Hotta_1998, Ma_2008, Li_2023). These data indicate that the variant is very likely to be associated with disease. A different variant affecting the same codon has been classified as pathogenic by our lab (c.637C>T, p.Arg213Trp), supporting the critical relevance of codon 213 to RS1 protein function. The following publications have been ascertained in the context of this evaluation (PMID: 9760195, 36729443, 18369700). ClinVar contains an entry for this variant (Variation ID: 99010). Based on the evidence outlined above, the variant was classified as pathogenic.

Baylor Genetics
Classification: Pathogenic for Juvenile retinoschisis. Last evaluated: 2023-12-02. Review status: criteria provided, single submitter. Criteria: ACMG Guidelines, 2015. Collection method: clinical testing. Allele origin: unknown. Not counted in ClinVar's aggregate classification.

Blueprint Genetics
Classification: Pathogenic for RS1-related disorders. Last evaluated: 2022-05-16. Review status: criteria provided, single submitter. Criteria: ACMG Guidelines, 2015. Collection method: clinical testing. Allele origin: germline. Affected: yes. Observed: 5 variant alleles. Not counted in ClinVar's aggregate classification.

Institute of Human Genetics, Univ. Regensburg, Univ. Regensburg
Classification: Pathogenic for Retinal dystrophy. Last evaluated: 2022-01-01. Review status: criteria provided, single submitter. Criteria: ACMG Guidelines, 2015. Collection method: clinical testing. Allele origin: germline. Affected: yes. Not counted in ClinVar's aggregate classification.

Retina International
No classification provided. Review status: no classification provided. Collection method: not provided. Allele origin: unknown. Not counted in ClinVar's aggregate classification.

Literature cited by the submitters: PubMed 22171610 (cited by Dasa); PubMed 24505212 (cited by Dasa); PubMed 18369700 (cited by Dasa and Women's Health and Genetics/Laboratory Corporation of America, LabCorp); PubMed 36729443 (cited by Women's Health and Genetics/Laboratory Corporation of America, LabCorp); PubMed 9760195 (cited by Women's Health and Genetics/Laboratory Corporation of America, LabCorp and Institute of Human Genetics, Univ. Regensburg, Univ. Regensburg); PubMed 30652005 (cited by Institute of Human Genetics, Univ. Regensburg, Univ. Regensburg); PubMed 33090715 (cited by Institute of Human Genetics, Univ. Regensburg, Univ. Regensburg); PubMed 35456481 (cited by Institute of Human Genetics, Univ. Regensburg, Univ. Regensburg); PubMed 34822951 (cited by Institute of Human Genetics, Univ. Regensburg, Univ. Regensburg); PubMed 34624300 (cited by Institute of Human Genetics, Univ. Regensburg, Univ. Regensburg); PubMed 34645606 (cited by Institute of Human Genetics, Univ. Regensburg, Univ. Regensburg).

NM_000330.4(RS1):c.638G>A (p.Arg213Gln)

Genes: CDKL5 (cyclin dependent kinase like 5; plus strand), RS1 (retinoschisin 1; minus strand). Cytogenetic location: Xp22.13.
Variant type: single nucleotide variant.
Coding change: c.638G>A on transcript NM_000330.4 (MANE Select); coding-DNA position 638, G replaced by A.
Protein change: p.Arg213Gln; replaces arginine 213 with glutamine.
Molecular consequence: missense variant. On other transcripts: intron variant (2).
Genome position (GRCh38, 1-based): chrX:18,642,041, C>T on the plus strand (G>A on the coding strand, the complement: RS1 is on the minus strand). VCF-style: chrX-18642041-C-T. GRCh37 (hg19) VCF-style: chrX-18660161-C-T.
Other names: NM_000330.4(RS1):c.638G>A; c.2714-3966C>T (NM_003159.3, NM_001037343.2); short protein forms R213Q.
Identifiers: ClinVar variation 99010 (VCV000099010.9), dbSNP rs281865364, ClinGen allele CA226832.